The following is an entry in ClinVar:

NM_001282684.2(KCTD17):c.5G>C (p.Arg2Thr)

Genes: KCTD17 (potassium channel tetramerization domain containing 17; plus strand), LOC130067340 (ATAC-STARR-seq lymphoblastoid silent region 13677; plus strand). Cytogenetic location: 22q12.3.
Variant type: single nucleotide variant.
Coding change: c.5G>C on transcript NM_001282684.2 (MANE Select); coding-DNA position 5, G replaced by C.
Protein change: p.Arg2Thr; replaces arginine 2 with threonine.
Molecular consequence: missense variant.
Genome position (GRCh38, 1-based): chr22:37,051,765, G>C. VCF-style: chr22-37051765-G-C. GRCh37 (hg19) VCF-style: chr22-37447805-G-C.
Other names: c.5G>C, p.Arg2Thr (NM_001282685.2, NM_001282686.2, NM_024681.4); short protein forms R9T, R2T.
Identifiers: ClinVar variation 1027881 (VCV001027881.1), dbSNP rs1924499850, ClinGen allele CA411412399.

ClinVar aggregate classification (germline): Uncertain significance (1 of 4 stars; one submission).

Conditions:
Myoclonic dystonia 26. Identifiers: MedGen C4225341, MONDO:0014620, OMIM 616398.

gnomAD v4.1: 1 of 1,234,320 alleles (0.000081%); highest among the groups gnomAD compares: Non-Finnish European, 0.0001%; no homozygotes.

Submission:

Baylor Genetics
Classification: Uncertain significance for Myoclonic dystonia 26. Last evaluated: 2019-10-21. Review status: criteria provided, single submitter. Criteria: ACMG Guidelines, 2015. Collection method: clinical testing. Allele origin: unknown. Affected: yes.
Comment: This variant was determined to be of uncertain significance according to ACMG Guidelines, 2015 [PMID:25741868].